The following is an entry in ClinVar:

ClinVar aggregate classification (germline): Uncertain significance. Review status: criteria provided, multiple submitters, no conflicts (2 of 4 stars). 2 submissions from 2 submitters: Uncertain significance (2). Last evaluated 2024-03-13.

Conditions:
Hereditary cancer-predisposing syndrome. Also called: Neoplastic Syndromes, Hereditary; Hereditary Cancer Syndrome; Tumor predisposition; Hereditary neoplastic syndrome. Identifiers: Orphanet 140162, MedGen C0027672, MeSH D009386, MONDO:0015356.
Multiple endocrine neoplasia type 4. Also called: MULTIPLE ENDOCRINE NEOPLASIA, TYPE IV. Identifiers: Orphanet 276152, MedGen C1970712, MONDO:0012552, OMIM 610755.

Submissions (2):

Ambry Genetics
Classification: Uncertain significance for Hereditary cancer-predisposing syndrome. Last evaluated: 2024-03-13. Review status: criteria provided, single submitter. Criteria: Ambry Variant Classification Scheme 2023. Collection method: clinical testing. Allele origin: germline.
Comment: The p.P91H variant (also known as c.272C>A), located in coding exon 1 of the CDKN1B gene, results from a C to A substitution at nucleotide position 272. The proline at codon 91 is replaced by histidine, an amino acid with similar properties. This amino acid position is conserved. In addition, the in silico prediction for this alteration is inconclusive. Based on the available evidence, the clinical significance of this alteration remains unclear.

Labcorp Genetics (formerly Invitae), Labcorp
Classification: Uncertain significance for Multiple endocrine neoplasia type 4. Last evaluated: 2022-03-17. Review status: criteria provided, single submitter. Criteria: Invitae Variant Classification Sherloc (09022015). Collection method: clinical testing. Allele origin: germline.
Comment: This sequence change replaces proline, which is neutral and non-polar, with histidine, which is basic and polar, at codon 91 of the CDKN1B protein (p.Pro91His). This variant is not present in population databases (gnomAD no frequency). In summary, the available evidence is currently insufficient to determine the role of this variant in disease. Therefore, it has been classified as a Variant of Uncertain Significance. Algorithms developed to predict the effect of missense changes on protein structure and function are either unavailable or do not agree on the potential impact of this missense change (SIFT: "Deleterious"; PolyPhen-2: "Benign"; Align-GVGD: "Class C0"). This variant has not been reported in the literature in individuals affected with CDKN1B-related conditions.

NM_004064.5(CDKN1B):c.272C>A (p.Pro91His)

Gene: CDKN1B (cyclin dependent kinase inhibitor 1B; plus strand). Cytogenetic location: 12p13.1.
Variant type: single nucleotide variant.
Coding change: c.272C>A on transcript NM_004064.5 (MANE Select); coding-DNA position 272, C replaced by A.
Protein change: p.Pro91His; replaces proline 91 with histidine.
Molecular consequence: missense variant.
Genome position (GRCh38, 1-based): chr12:12,718,111, C>A. VCF-style: chr12-12718111-C-A. GRCh37 (hg19) VCF-style: chr12-12871045-C-A.
Other names: c.272C>A (NM_004064.3); short protein forms P91H.
Identifiers: ClinVar variation 2059201 (VCV002059201.5), dbSNP rs768793049, ClinGen allele CA383969935.